The following is an entry in ClinVar:

ClinVar aggregate classification (germline): Likely benign. Review status: criteria provided, multiple submitters, no conflicts (2 of 4 stars). 6 submissions from 6 submitters: Likely benign (3). 3 of the submissions do not count toward it. Last evaluated 2025-12-22.

Conditions:
MLH3-related disorder. Also called: MLH3-related condition.
Colorectal cancer, non-polyposis.
Colorectal cancer, hereditary nonpolyposis, type 7. Identifiers: Orphanet 144, MedGen C1858380, MONDO:0013725, OMIM 614385.

Allele frequency attached by ClinVar (database versions not stated): TOPMed 0.00026; gnomAD 0.00032; gnomAD exomes 0.00036; ESP Exome Variant Server 0.00038.
gnomAD v4.1: 672 of 1,614,034 alleles (0.042%); highest among the groups gnomAD compares: Non-Finnish European, 0.054%; no homozygotes.

Submissions (6):

Labcorp Genetics (formerly Invitae), Labcorp
Classification: Likely benign for Colorectal cancer, hereditary nonpolyposis, type 7. Last evaluated: 2025-12-22. Review status: criteria provided, single submitter. Criteria: Invitae Variant Classification Sherloc (09022015). Collection method: clinical testing. Allele origin: germline.

Center for Genomic Medicine, Rigshospitalet, Copenhagen University Hospital
Classification: Likely benign. Last evaluated: 2025-03-04. Review status: criteria provided, single submitter. Criteria: ACMG Guidelines, 2015. Collection method: clinical testing. Allele origin: germline.

Ambry Genetics
Classification: Likely benign. Last evaluated: 2020-09-21. Review status: criteria provided, single submitter. Criteria: Ambry Variant Classification Scheme 2023. Collection method: clinical testing. Allele origin: germline.

PreventionGenetics, part of Exact Sciences
Classification: Likely benign for MLH3-related condition. Last evaluated: 2022-01-21. Review status: no assertion criteria provided. Collection method: clinical testing. Allele origin: germline. Not counted in ClinVar's aggregate classification.
Comment: This variant is classified as likely benign based on ACMG/AMP sequence variant interpretation guidelines (Richards et al. 2015 PMID: 25741868, with internal and published modifications).

CSER _CC_NCGL, University of Washington
Classification: Likely benign for Colorectal cancer, non-polyposis. Last evaluated: 2014-06-01. Review status: no assertion criteria provided. Collection method: research. Allele origin: germline. Inheritance: Autosomal dominant inheritance. Study: ESP 6500 variant annotation. Not counted in ClinVar's aggregate classification.
Comment: Variants classified for the Actionable exomic incidental findings in 6503 participants: challenges of variant classification manuscript

Department of Pathology and Laboratory Medicine, Sinai Health System
Classification: Likely benign. Review status: no assertion criteria provided. Collection method: clinical testing. Allele origin: unknown. Affected: yes. Study: The Canadian Open Genetics Repository (COGR). Not counted in ClinVar's aggregate classification.
Comment: The MLH3 p.Ser817Gly variant was identified in 1 of 714 proband chromosomes (frequency: 0.0014) from an individual suspected of hereditary nonpolyposis colorectal cancer who also had a variant in MSH6 (IVS9+43 ins10 bp); this variant was not found in 188 Dutch control individuals (Wu_2001_PMID:11586295). The variant was identified in dbSNP (ID: rs143278116) and ClinVar (classified as likely benign by Invitae and CSER _CC_NCGL University of Washington for Non-polyposis colorectal cancer). The variant was identified in control databases in 96 of 268264 chromosomes at a frequency of 0.0003579 (Genome Aggregation Database March 6, 2019, v2.1.1, non-cancer). The variant was observed in the following populations: European (non-Finnish) in 82 of 118116 chromosomes (freq: 0.000694), Other in 4 of 6704 chromosomes (freq: 0.000597), Latino in 8 of 35108 chromosomes (freq: 0.000228), African in 1 of 23616 chromosomes (freq: 0.000042) and European (Finnish) in 1 of 25088 chromosomes (freq: 0.00004), but was not observed in the Ashkenazi Jewish, East Asian, or South Asian populations. The p.Ser817 residue is not conserved in mammals and computational analyses (PolyPhen-2, SIFT, AlignGVGD, BLOSUM, MutationTaster) do not suggest a high likelihood of impact to the protein; however, this information is not predictive enough to rule out pathogenicity. The variant occurs outside of the splicing consensus sequence and 1 of 4 in silico or computational prediction software programs (SpliceSiteFinder, MaxEntScan, NNSPLICE, GeneSplicer) predict a greater than 10% difference in splicing; this is not very predictive of pathogenicity. Functional studies did not demonstrate a detrimental effect from this variant compared to wildtype (Korhonen_2008_PMID:18521850; Ou_2009_PMID:19156873). In summary, based on the above information the clinical significance of this variant cannot be determined with certainty at this time although we would lean towards a more benign role for this variant. This variant is classified as likely benign.

Literature cited by the submitters: PubMed 18521850 (cited by Center for Genomic Medicine, Rigshospitalet, Copenhagen University Hospital); PubMed 19156873 (cited by Center for Genomic Medicine, Rigshospitalet, Copenhagen University Hospital).

NM_001040108.2(MLH3):c.2449A>G (p.Ser817Gly)

Gene: MLH3 (mutL homolog 3; minus strand). Cytogenetic location: 14q24.3.
Variant type: single nucleotide variant.
Coding change: c.2449A>G on transcript NM_001040108.2 (MANE Select); coding-DNA position 2449, A replaced by G.
Protein change: p.Ser817Gly; replaces serine 817 with glycine.
Molecular consequence: missense variant.
Genome position (GRCh38, 1-based): chr14:75,047,207, T>C on the plus strand (A>G on the coding strand, the complement: MLH3 is on the minus strand). VCF-style: chr14-75047207-T-C. GRCh37 (hg19) VCF-style: chr14-75513910-T-C.
Other names: c.2449A>G, p.Ser817Gly (NM_014381.3); short protein forms S817G.
Identifiers: ClinVar variation 161296 (VCV000161296.24), dbSNP rs143278116, ClinGen allele CA211656.